The following is an entry in ClinVar:

ClinVar aggregate classification (germline): Uncertain significance (1 of 4 stars; one submission).

Conditions:
Developmental and epileptic encephalopathy, 14 (DEE14). Also called: Early infantile epileptic encephalopathy 14. Identifiers: Orphanet 293181, MedGen C3554195, MONDO:0013989, OMIM 614959.
Autosomal dominant nocturnal frontal lobe epilepsy 5. Also called: KCNT1-Related Epilepsy; Epilepsy, nocturnal frontal lobe, 5; CILIARY DYSKINESIA, PRIMARY, 28, WITHOUT SITUS INVERSUS; CILIARY DYSKINESIA, PRIMARY, 28, WITH SITUS INVERSUS. Identifiers: Orphanet 98784, MedGen C3554306, MONDO:0014002, OMIM 615005.

Allele frequency attached by ClinVar (database versions not stated): ESP Exome Variant Server 0.00008; gnomAD exomes below 0.00001.
gnomAD v4.1: 2 of 1,609,818 alleles (0.00012%); highest among the groups gnomAD compares: Middle Eastern, 0.017%; no homozygotes.

Submission:

Labcorp Genetics (formerly Invitae), Labcorp
Classification: Uncertain significance for Autosomal dominant nocturnal frontal lobe epilepsy 5; Developmental and epileptic encephalopathy, 14. Last evaluated: 2025-12-10. Review status: criteria provided, single submitter. Criteria: Invitae Variant Classification Sherloc (09022015). Collection method: clinical testing. Allele origin: germline.
Comment: This sequence change replaces arginine, which is basic and polar, with glutamine, which is neutral and polar, at codon 15 of the KCNT1 protein (p.Arg15Gln). This variant is not present in population databases (gnomAD no frequency). This variant has not been reported in the literature in individuals affected with KCNT1-related conditions. ClinVar contains an entry for this variant (Variation ID: 1515847). Invitae Evidence Modeling of protein sequence and biophysical properties (such as structural, functional, and spatial information, amino acid conservation, physicochemical variation, residue mobility, and thermodynamic stability) indicates that this missense variant is not expected to disrupt KCNT1 protein function with a negative predictive value of 95%. In summary, the available evidence is currently insufficient to determine the role of this variant in disease. Therefore, it has been classified as a Variant of Uncertain Significance.

NM_020822.3(KCNT1):c.44G>A (p.Arg15Gln)

Gene: KCNT1 (potassium sodium-activated channel subfamily T member 1; plus strand). Cytogenetic location: 9q34.3.
Variant type: single nucleotide variant.
Coding change: c.44G>A on transcript NM_020822.3 (MANE Select); coding-DNA position 44, G replaced by A.
Protein change: p.Arg15Gln; replaces arginine 15 with glutamine.
Molecular consequence: missense variant.
Genome position (GRCh38, 1-based): chr9:135,702,302, G>A. VCF-style: chr9-135702302-G-A. GRCh37 (hg19) VCF-style: chr9-138594148-G-A.
Other names: c.44G>A, p.Arg15Gln (NM_001272003.2); short protein forms R15Q.
Identifiers: ClinVar variation 1515847 (VCV001515847.11), dbSNP rs373446490, ClinGen allele CA201461316.
Genomic context (GRCh38, chr9:135,702,302, plus strand): 5'-CCGAGCTGCCAGGCCGCATGCCACTCCCTGACGGGGCGCGGACCCCGGGGGGCGTCTGCC[G>A]GGAGGCGCGCGGCGGGGGCTACACCAACCGGACCTTCGAGTTTGACGACGGCCAATGCGC-3'
Protein context (NP_065873.2, residues 5-25): DGARTPGGVC[Arg15Gln]EARGGGYTNR